The following is an entry in ClinVar:

NM_153365.3(TAPT1):c.917-1G>T

Gene: TAPT1 (transmembrane anterior posterior transformation 1; minus strand). Cytogenetic location: 4p15.32.
Variant type: single nucleotide variant.
Coding change: c.917-1G>T on transcript NM_153365.3 (MANE Select); the canonical splice acceptor site of the intron before coding-DNA position 917, G replaced by T.
Molecular consequence: splice acceptor variant.
Genome position (GRCh38, 1-based): chr4:16,179,658, C>A on the plus strand (G>T on the coding strand, the complement: TAPT1 is on the minus strand). VCF-style: chr4-16179658-C-A. GRCh37 (hg19) VCF-style: chr4-16181281-C-A.
Identifiers: ClinVar variation 4724113 (VCV004724113.1).
Genomic context (GRCh38, chr4:16,179,658, plus strand): 5'-CCATGTTTCTTAGACACACTATCAGTAAAAGCACATAATTTGTGAATCGTTCCTTAATAT[C>A]TAAAAGAAAAAAAATCAACATAAGTACTGTAGTGTATATAAACAACATAATAAAGTACAT-3'

ClinVar aggregate classification (germline): Likely pathogenic (1 of 4 stars; one submission).

gnomAD v4.1: 5 of 1,505,364 alleles (0.00033%); highest among the groups gnomAD compares: African/African-American, 0.0028%; no homozygotes.

Submission:

Labcorp Genetics (formerly Invitae), Labcorp
Classification: Likely pathogenic. Last evaluated: 2025-07-27. Review status: criteria provided, single submitter. Criteria: Invitae Variant Classification Sherloc (09022015). Collection method: clinical testing. Allele origin: germline.
Comment: This sequence change affects an acceptor splice site in intron 7 of the TAPT1 gene. It is expected to disrupt RNA splicing. Variants that disrupt the donor or acceptor splice site typically lead to a loss of protein function (PMID: 16199547), and loss-of-function variants in TAPT1 are known to be pathogenic (PMID: 26365339, 32058062). The frequency data for this variant in the population databases is considered unreliable, as metrics indicate poor data quality at this position in the gnomAD database. This variant has not been reported in the literature in individuals affected with TAPT1-related conditions. Algorithms developed to predict the effect of sequence changes on RNA splicing suggest that this variant may disrupt the consensus splice site. In summary, the currently available evidence indicates that the variant is pathogenic, but additional data are needed to prove that conclusively. Therefore, this variant has been classified as Likely Pathogenic.

Literature cited by the submitters: PubMed 16199547; PubMed 26365339; PubMed 32058062.